The following is an entry in ClinVar:

ClinVar aggregate classification (germline): Uncertain significance. Review status: criteria provided, multiple submitters, no conflicts (2 of 4 stars). 2 submissions from 2 submitters: Uncertain significance (2). Last evaluated 2024-09-30.

Conditions:
Inborn genetic diseases. Identifiers: MedGen C0950123, MeSH D030342.

Allele frequency attached by ClinVar (database versions not stated): gnomAD 0.00003; gnomAD exomes 0.00003; TOPMed 0.00003; ExAC 0.00009.
gnomAD v4.1: 51 of 1,611,774 alleles (0.0032%); highest among the groups gnomAD compares: Middle Eastern, 0.016%; no homozygotes.

Submissions (2):

Ambry Genetics
Classification: Uncertain significance for Inborn genetic diseases. Last evaluated: 2024-09-30. Review status: criteria provided, single submitter. Criteria: Ambry Variant Classification Scheme 2023. Collection method: clinical testing. Allele origin: germline.

Labcorp Genetics (formerly Invitae), Labcorp
Classification: Uncertain significance. Last evaluated: 2022-02-11. Review status: criteria provided, single submitter. Criteria: Invitae Variant Classification Sherloc (09022015). Collection method: clinical testing. Allele origin: germline.
Comment: This sequence change replaces arginine, which is basic and polar, with glutamine, which is neutral and polar, at codon 213 of the GDF5 protein (p.Arg213Gln). This variant is present in population databases (rs771940166, gnomAD 0.01%). This variant has not been reported in the literature in individuals affected with GDF5-related conditions. Algorithms developed to predict the effect of missense changes on protein structure and function are either unavailable or do not agree on the potential impact of this missense change (SIFT: "Deleterious"; PolyPhen-2: "Possibly Damaging"; Align-GVGD: "Class C0"). In summary, the available evidence is currently insufficient to determine the role of this variant in disease. Therefore, it has been classified as a Variant of Uncertain Significance.

NM_000557.5(GDF5):c.638G>A (p.Arg213Gln)

Gene: GDF5 (growth differentiation factor 5; minus strand). Cytogenetic location: 20q11.22.
Variant type: single nucleotide variant.
Coding change: c.638G>A on transcript NM_000557.5 (MANE Select); coding-DNA position 638, G replaced by A.
Protein change: p.Arg213Gln; replaces arginine 213 with glutamine.
Molecular consequence: missense variant.
Genome position (GRCh38, 1-based): chr20:35,434,777, C>T on the plus strand (G>A on the coding strand, the complement: GDF5 is on the minus strand). VCF-style: chr20-35434777-C-T. GRCh37 (hg19) VCF-style: chr20-34022575-C-T.
Other names: c.638G>A, p.Arg213Gln (NM_001319138.2); c.638G>A (NM_000557.2); short protein forms R213Q.
Identifiers: ClinVar variation 2071210 (VCV002071210.2), dbSNP rs771940166, ClinGen allele CA9832265.